The following is an entry in ClinVar:

ClinVar aggregate classification (germline): Uncertain significance. Review status: criteria provided, multiple submitters, no conflicts (2 of 4 stars). 3 submissions from 3 submitters: Uncertain significance (3). Last evaluated 2025-09-21.

Conditions:
Inborn genetic diseases. Identifiers: MedGen C0950123, MeSH D030342.

Allele frequency attached by ClinVar (database versions not stated): TOPMed below 0.00001; gnomAD 0.00001; gnomAD exomes 0.00001.
gnomAD v4.1: 10 of 1,613,734 alleles (0.00062%); highest among the groups gnomAD compares: Admixed American, 0.0067%; no homozygotes.

Submissions (3):

Ambry Genetics
Classification: Uncertain significance for Inborn genetic diseases. Last evaluated: 2025-09-21. Review status: criteria provided, single submitter. Criteria: Ambry Variant Classification Scheme 2023. Collection method: clinical testing. Allele origin: germline.

Labcorp Genetics (formerly Invitae), Labcorp
Classification: Uncertain significance. Last evaluated: 2021-09-17. Review status: criteria provided, single submitter. Criteria: Invitae Variant Classification Sherloc (09022015). Collection method: clinical testing. Allele origin: germline.
Comment: This sequence change replaces alanine with glycine at codon 2459 of the USH2A protein (p.Ala2459Gly). The alanine residue is highly conserved and there is a small physicochemical difference between alanine and glycine. This variant is not present in population databases (ExAC no frequency). This variant has not been reported in the literature in individuals with USH2A-related conditions. Algorithms developed to predict the effect of missense changes on protein structure and function are either unavailable or do not agree on the potential impact of this missense change (SIFT: "Deleterious"; PolyPhen-2: "Possibly Damaging"; Align-GVGD: "Class C0"). In summary, the available evidence is currently insufficient to determine the role of this variant in disease. Therefore, it has been classified as a Variant of Uncertain Significance.

Blueprint Genetics
Classification: Uncertain significance. Last evaluated: 2019-12-17. Review status: criteria provided, single submitter. Criteria: ACMG Guidelines, 2015. Collection method: clinical testing. Allele origin: germline.

NM_206933.4(USH2A):c.7376C>G (p.Ala2459Gly)

Gene: USH2A (usherin; minus strand). Cytogenetic location: 1q41.
Variant type: single nucleotide variant.
Coding change: c.7376C>G on transcript NM_206933.4 (MANE Select); coding-DNA position 7376, C replaced by G.
Protein change: p.Ala2459Gly; replaces alanine 2459 with glycine.
Molecular consequence: missense variant.
Genome position (GRCh38, 1-based): chr1:215,900,830, G>C on the plus strand (C>G on the coding strand, the complement: USH2A is on the minus strand). VCF-style: chr1-215900830-G-C. GRCh37 (hg19) VCF-style: chr1-216074172-G-C.
Other names: c.7376C>G (NM_206933.2); short protein forms A2459G.
Identifiers: ClinVar variation 1504057 (VCV001504057.7), dbSNP rs1281618285, ClinGen allele CA344849904.